The following is an entry in ClinVar:

ClinVar aggregate classification (germline): Pathogenic (1 of 4 stars; one submission).

Conditions:
Hereditary cancer-predisposing syndrome. Also called: Hereditary Cancer Syndrome; Hereditary neoplastic syndrome; Neoplastic Syndromes, Hereditary; Tumor predisposition. Identifiers: Orphanet 140162, MedGen C0027672, MeSH D009386, MONDO:0015356.

Submission:

Ambry Genetics
Classification: Pathogenic for Hereditary cancer-predisposing syndrome. Last evaluated: 2021-02-15. Review status: criteria provided, single submitter. Criteria: Ambry Variant Classification Scheme 2023. Collection method: clinical testing. Allele origin: germline.
Comment: The c.1401dupC pathogenic mutation, located in coding exon 9 of the ATM gene, results from a duplication of C at nucleotide position 1401, causing a translational frameshift with a predicted alternate stop codon (p.K468Qfs*19). This alteration is expected to result in loss of function by premature protein truncation or nonsense-mediated mRNA decay. As such, this alteration is interpreted as a disease-causing mutation.

NM_000051.4(ATM):c.1401dup (p.Lys468fs)

Gene: ATM (ATM serine/threonine kinase; plus strand). Cytogenetic location: 11q22.3.
Variant type: Duplication.
Coding change: c.1401dup on transcript NM_000051.4 (MANE Select); coding-DNA position 1401, one base duplicated (C; older notation c.1401dupC).
Protein change: p.Lys468fs; shifts the reading frame from lysine 468.
Molecular consequence: frameshift variant.
Genome position (GRCh38, 1-based): chr11:108,250,866, C duplicated. VCF-style (leftmost placement, unchanged base first): chr11-108250865-A-AC. GRCh37 (hg19) VCF-style: chr11-108121592-A-AC.
Other names: c.1401dup, p.Lys468fs (NM_001351834.2); c.1401dupC (NM_000051.3); short protein forms K468fs.
Identifiers: ClinVar variation 1771814 (VCV001771814.2), dbSNP rs2497245324, ClinGen allele CA2580083777.